The following is an entry in ClinVar:

NM_000286.3(PEX12):c.413G>T (p.Arg138Ile)

Gene: PEX12 (peroxisomal biogenesis factor 12; minus strand). Cytogenetic location: 17q12.
Variant type: single nucleotide variant.
Coding change: c.413G>T on transcript NM_000286.3 (MANE Select); coding-DNA position 413, G replaced by T.
Protein change: p.Arg138Ile; replaces arginine 138 with isoleucine.
Molecular consequence: missense variant.
Genome position (GRCh38, 1-based): chr17:35,577,305, C>A on the plus strand (G>T on the coding strand, the complement: PEX12 is on the minus strand). VCF-style: chr17-35577305-C-A. GRCh37 (hg19) VCF-style: chr17-33904324-C-A.
Other names: short protein forms R138I.
Identifiers: ClinVar variation 1463060 (VCV001463060.3), dbSNP rs1269271203, ClinGen allele CA399138188.
Genomic context (GRCh38, chr17:35,577,305, plus strand): 5'-GCTCTGTAAAATCGTTTCCAGCGGGAAGAAGGGGGATGAATAGAATATTCATCCTCTTCT[C>A]TCAGGCTAGAAACCAGCTTCTCCAGCTTCACTTTCAGATAGGGAAGAAGAACCAGGAACA-3'
Protein context (NP_000277.1, residues 128-148): VKLEKLVSSL[Arg138Ile]EEDEYSIHPP

ClinVar aggregate classification (germline): Uncertain significance (1 of 4 stars; one submission).

Conditions:
Peroxisome biogenesis disorder 3A (Zellweger). Also called: PEROXISOMAL BIOGENESIS DISORDER 3A (ZELLWEGER); Peroxisome biogenesis disorder 3A. Identifiers: Orphanet 912, MedGen C3553929, MONDO:0013927, OMIM 614859.

Submission:

Labcorp Genetics (formerly Invitae), Labcorp
Classification: Uncertain significance for Peroxisome biogenesis disorder 3A (Zellweger). Last evaluated: 2021-09-15. Review status: criteria provided, single submitter. Criteria: Invitae Variant Classification Sherloc (09022015). Collection method: clinical testing. Allele origin: germline.
Comment: This sequence change replaces arginine with isoleucine at codon 138 of the PEX12 protein (p.Arg138Ile). The arginine residue is moderately conserved and there is a moderate physicochemical difference between arginine and isoleucine. This variant is not present in population databases (ExAC no frequency). This variant has not been reported in the literature in individuals affected with PEX12-related conditions. Algorithms developed to predict the effect of missense changes on protein structure and function are either unavailable or do not agree on the potential impact of this missense change (SIFT: "Deleterious"; PolyPhen-2: "Probably Damaging"; Align-GVGD: "Class C0"). In summary, the available evidence is currently insufficient to determine the role of this variant in disease. Therefore, it has been classified as a Variant of Uncertain Significance.